The following is an entry in ClinVar:

ClinVar aggregate classification (germline): Likely benign. Review status: criteria provided, single submitter (1 of 4 stars). 2 submissions from 2 submitters: Likely benign (1). 1 of the submissions does not count toward it. Last evaluated 2023-04-24.

Conditions:
Congenital sensory neuropathy with selective loss of small myelinated fibers (HSAN5). Also called: HSAN Type V. Identifiers: Orphanet 64752, MedGen C0020075, MONDO:0012092, OMIM 608654.
NGF-related disorder. Also called: NGF-related condition.

Allele frequency attached by ClinVar (database versions not stated): TOPMed below 0.00001; gnomAD exomes 0.00001; ExAC 0.00002.
gnomAD v4.1: 22 of 1,614,196 alleles (0.0014%); highest among the groups gnomAD compares: Non-Finnish European, 0.0018%; no homozygotes.

Submissions (2):

Labcorp Genetics (formerly Invitae), Labcorp
Classification: Likely benign for Congenital sensory neuropathy with selective loss of small myelinated fibers. Last evaluated: 2023-04-24. Review status: criteria provided, single submitter. Criteria: Invitae Variant Classification Sherloc (09022015). Collection method: clinical testing. Allele origin: germline.

PreventionGenetics, part of Exact Sciences
Classification: Likely benign for NGF-related condition. Last evaluated: 2019-06-14. Review status: no assertion criteria provided. Collection method: clinical testing. Allele origin: germline. Not counted in ClinVar's aggregate classification.
Comment: This variant is classified as likely benign based on ACMG/AMP sequence variant interpretation guidelines (Richards et al. 2015 PMID: 25741868, with internal and published modifications).

NM_002506.3(NGF):c.219C>T (p.Asp73=)

Genes: NGF (nerve growth factor; minus strand), NGF-AS1 (NGF antisense RNA 1; plus strand). Cytogenetic location: 1p13.2.
Variant type: single nucleotide variant.
Coding change: c.219C>T on transcript NM_002506.3 (MANE Select); coding-DNA position 219, C replaced by T.
Protein change: p.Asp73=; no amino-acid change (aspartic acid 73 retained).
Molecular consequence: synonymous variant.
Genome position (GRCh38, 1-based): chr1:115,286,577, G>A on the plus strand (C>T on the coding strand, the complement: NGF is on the minus strand). VCF-style: chr1-115286577-G-A. GRCh37 (hg19) VCF-style: chr1-115829198-G-A.
Other names: c.219C>T (NM_002506.2).
Identifiers: ClinVar variation 1671281 (VCV001671281.9), dbSNP rs780383333, ClinGen allele CA1023023.